The following is an entry in ClinVar:

ClinVar aggregate classification (germline): Uncertain significance (1 of 4 stars; one submission).

gnomAD v4.1: 56 of 1,614,216 alleles (0.0035%); highest among the groups gnomAD compares: South Asian, 0.033%; no homozygotes.

Submission:

Labcorp Genetics (formerly Invitae), Labcorp
Classification: Uncertain significance. Last evaluated: 2026-01-28. Review status: criteria provided, single submitter. Criteria: Invitae Variant Classification Sherloc (09022015). Collection method: clinical testing. Allele origin: germline.
Comment: This sequence change replaces arginine, which is basic and polar, with cysteine, which is neutral and slightly polar, at codon 739 of the DUOX2 protein (p.Arg739Cys). This variant is present in population databases (rs750639157, gnomAD 0.04%). This variant has not been reported in the literature in individuals affected with DUOX2-related conditions. Invitae Evidence Modeling of protein sequence and biophysical properties (such as structural, functional, and spatial information, amino acid conservation, physicochemical variation, residue mobility, and thermodynamic stability) indicates that this missense variant is not expected to disrupt DUOX2 protein function with a negative predictive value of 80%. In summary, the available evidence is currently insufficient to determine the role of this variant in disease. Therefore, it has been classified as a Variant of Uncertain Significance.

NM_001363711.2(DUOX2):c.2215C>T (p.Arg739Cys)

Gene: DUOX2 (dual oxidase 2; minus strand). Cytogenetic location: 15q21.1.
Variant type: single nucleotide variant.
Coding change: c.2215C>T on transcript NM_001363711.2 (MANE Select); coding-DNA position 2215, C replaced by T.
Protein change: p.Arg739Cys; replaces arginine 739 with cysteine.
Molecular consequence: missense variant.
Genome position (GRCh38, 1-based): chr15:45,105,762, G>A on the plus strand (C>T on the coding strand, the complement: DUOX2 is on the minus strand). VCF-style: chr15-45105762-G-A. GRCh37 (hg19) VCF-style: chr15-45397960-G-A.
Other names: c.2215C>T, p.Arg739Cys (NM_014080.5); short protein forms R739C.
Identifiers: ClinVar variation 4780028 (VCV004780028.1).